The following is an entry in ClinVar:

NM_006343.3(MERTK):c.61+7G>A

Gene: MERTK (MER proto-oncogene, tyrosine kinase; plus strand). Cytogenetic location: 2q13.
Variant type: single nucleotide variant.
Coding change: c.61+7G>A on transcript NM_006343.3 (MANE Select); 7 bases into the intron after coding-DNA position 61, G replaced by A.
Molecular consequence: intron variant.
Genome position (GRCh38, 1-based): chr2:111,898,803, G>A. VCF-style: chr2-111898803-G-A. GRCh37 (hg19) VCF-style: chr2-112656380-G-A.
Other names: c.61+7G>A (NM_006343.2).
Identifiers: ClinVar variation 1659483 (VCV001659483.10), dbSNP rs1167505389, ClinGen allele CA755187743.

ClinVar aggregate classification (germline): Conflicting classifications of pathogenicity. Review status: criteria provided, conflicting classifications (1 of 4 stars). 3 submissions from 3 submitters: Uncertain significance (1); Likely benign (2). Last evaluated 2025-07-22.

Conditions:
MERTK-related disorder. Also called: MERTK-related condition.

Allele frequency attached by ClinVar (database versions not stated): gnomAD exomes below 0.00001.

Submissions (3):

PreventionGenetics, part of Exact Sciences
Classification: Likely benign for MERTK-related condition. Last evaluated: 2025-07-22. Review status: criteria provided, single submitter. Criteria: ACMG Guidelines, 2015. Collection method: clinical testing. Allele origin: germline.
Comment: This variant is classified as likely benign based on ACMG/AMP sequence variant interpretation guidelines (Richards et al. 2015 PMID: 25741868, with internal and published modifications).

Labcorp Genetics (formerly Invitae), Labcorp
Classification: Likely benign. Last evaluated: 2023-07-03. Review status: criteria provided, single submitter. Criteria: Invitae Variant Classification Sherloc (09022015). Collection method: clinical testing. Allele origin: germline.

Blueprint Genetics
Classification: Uncertain significance. Last evaluated: 2019-12-23. Review status: criteria provided, single submitter. Criteria: ACMG Guidelines, 2015. Collection method: clinical testing. Allele origin: germline.